The following is an entry in ClinVar:

ClinVar aggregate classification (germline): Uncertain significance (1 of 4 stars; one submission).

Conditions:
Hereditary cancer-predisposing syndrome. Also called: Neoplastic Syndromes, Hereditary; Tumor predisposition; Hereditary neoplastic syndrome; Hereditary Cancer Syndrome. Identifiers: Orphanet 140162, MedGen C0027672, MeSH D009386, MONDO:0015356.

Submission:

Ambry Genetics
Classification: Uncertain significance for Hereditary cancer-predisposing syndrome. Last evaluated: 2023-12-05. Review status: criteria provided, single submitter. Criteria: Ambry Variant Classification Scheme 2023. Collection method: clinical testing. Allele origin: germline.
Comment: The p.Y493N variant (also known as c.1477T>A), located in coding exon 11 of the APC gene, results from a T to A substitution at nucleotide position 1477. The tyrosine at codon 493 is replaced by asparagine, an amino acid with dissimilar properties. This amino acid position is conserved. In addition, in silico predictors for this gene do not accurately predict pathogenicity. Since supporting evidence is limited at this time, the clinical significance of this alteration remains unclear.

NM_000038.6(APC):c.1477T>A (p.Tyr493Asn)

Gene: APC (APC regulator of Wnt signaling pathway; plus strand). Cytogenetic location: 5q22.2.
Variant type: single nucleotide variant.
Coding change: c.1477T>A on transcript NM_000038.6 (MANE Select); coding-DNA position 1477, T replaced by A.
Protein change: p.Tyr493Asn; replaces tyrosine 493 with asparagine.
Molecular consequence: missense variant.
Genome position (GRCh38, 1-based): chr5:112,827,176, T>A. VCF-style: chr5-112827176-T-A. GRCh37 (hg19) VCF-style: chr5-112162873-T-A.
Other names: c.1477T>A, p.Tyr493Asn (NM_001127510.3, NM_001354895.2, NM_001407450.1); c.1423T>A, p.Tyr475Asn (NM_001127511.3); c.1531T>A, p.Tyr511Asn (NM_001354896.2, NM_001407447.1, NM_001407448.1 and 1 more transcripts); c.1507T>A, p.Tyr503Asn (NM_001354897.2); c.1402T>A, p.Tyr468Asn (NM_001354898.2); c.1393T>A, p.Tyr465Asn (NM_001354899.2); c.1354T>A, p.Tyr452Asn (NM_001354900.2); c.1300T>A, p.Tyr434Asn (NM_001354901.2, NM_001407453.1); and 11 more; short protein forms Y109N, Y210N, Y333N, Y364N, Y367N, Y392N, Y402N, Y410N.
Identifiers: ClinVar variation 3232718 (VCV003232718.1), dbSNP rs2149809444, ClinGen allele CA16024540.
Genomic context (GRCh38, chr5:112,827,176, plus strand): 5'-CAGGCCATTGCAGAATTATTGCAAGTGGACTGTGAAATGTATGGGCTTACTAATGACCAC[T>A]ACAGTATTACACTAAGACGATATGCTGGAATGGCTTTGACAAACTTGACTTTTGGAGATG-3'
Protein context (NP_000029.2, residues 483-503): CEMYGLTNDH[Tyr493Asn]SITLRRYAGM